The following is an entry in ClinVar:

ClinVar aggregate classification (germline): Uncertain significance. Review status: criteria provided, multiple submitters, no conflicts (2 of 4 stars). 2 submissions from 2 submitters: Uncertain significance (2). Last evaluated 2025-12-12.

Conditions:
Familial cancer of breast. Also called: hereditary breast carcinoma; Hereditary breast cancer; BREAST CANCER, FAMILIAL. Identifiers: Orphanet 227535, MedGen C0346153, MONDO:0016419, OMIM 114480. Disease mechanism: loss of function.
Hereditary cancer-predisposing syndrome. Also called: Neoplastic Syndromes, Hereditary; Tumor predisposition; Hereditary Cancer Syndrome; Hereditary neoplastic syndrome. Identifiers: Orphanet 140162, MedGen C0027672, MeSH D009386, MONDO:0015356.

Submissions (2):

Ambry Genetics
Classification: Uncertain significance for Hereditary cancer-predisposing syndrome. Last evaluated: 2025-12-12. Review status: criteria provided, single submitter. Criteria: Ambry Variant Classification Scheme 2023. Collection method: clinical testing. Allele origin: germline.
Comment: The p.I250F variant (also known as c.748A>T), located in coding exon 5 of the CHEK2 gene, results from an A to T substitution at nucleotide position 748. The isoleucine at codon 250 is replaced by phenylalanine, an amino acid with highly similar properties. This amino acid position is conserved. In addition, the in silico prediction for this alteration is inconclusive. Based on the available evidence, the clinical significance of this variant remains unclear.

Labcorp Genetics (formerly Invitae), Labcorp
Classification: Uncertain significance for Familial cancer of breast. Last evaluated: 2025-11-02. Review status: criteria provided, single submitter. Criteria: Invitae Variant Classification Sherloc (09022015). Collection method: clinical testing. Allele origin: germline.
Comment: This sequence change replaces isoleucine, which is neutral and non-polar, with phenylalanine, which is neutral and non-polar, at codon 250 of the CHEK2 protein (p.Ile250Phe). This variant is not present in population databases (gnomAD no frequency). This variant has not been reported in the literature in individuals affected with CHEK2-related conditions. An algorithm developed to predict the effect of missense changes on protein structure and function (PolyPhen-2) suggests that this variant is likely to be disruptive. In summary, the available evidence is currently insufficient to determine the role of this variant in disease. Therefore, it has been classified as a Variant of Uncertain Significance.

NM_007194.4(CHEK2):c.748A>T (p.Ile250Phe)

Gene: CHEK2 (checkpoint kinase 2; minus strand). Cytogenetic location: 22q12.1.
Variant type: single nucleotide variant.
Coding change: c.748A>T on transcript NM_007194.4 (MANE Select); coding-DNA position 748, A replaced by T.
Protein change: p.Ile250Phe; replaces isoleucine 250 with phenylalanine.
Molecular consequence: missense variant.
Genome position (GRCh38, 1-based): chr22:28,711,953, T>A on the plus strand (A>T on the coding strand, the complement: CHEK2 is on the minus strand). VCF-style: chr22-28711953-T-A. GRCh37 (hg19) VCF-style: chr22-29107941-T-A.
Other names: c.877A>T, p.Ile293Phe (NM_001005735.3, NM_001438294.1); c.85A>T, p.Ile29Phe (NM_001257387.3, NM_001437942.1); c.547A>T, p.Ile183Phe (NM_001349956.3); c.841A>T, p.Ile281Phe (NM_001438293.1, NM_001438295.1); c.748A>T, p.Ile250Phe (NM_145862.3); short protein forms I250F, I29F, I281F, I293F, I183F.
Identifiers: ClinVar variation 4635068 (VCV004635068.2).
Genomic context (GRCh38, chr22:28,711,953, plus strand): 5'-TTTTATTGGTACTTACTGCCTCTCTTGCTGAACCAATAGCAAACTTCCTTTTGCTGATGA[T>A]CTTTATGGCTACTTTCTTACATGTTTTCCTCTCGAAAGCCAGCTTTACCTCTCCACAGGC-3'
Protein context (NP_009125.1, residues 240-260): RKTCKKVAIK[Ile250Phe]ISKRKFAIGS